The following is an entry in ClinVar:

ClinVar aggregate classification (germline): Likely benign (1 of 4 stars; one submission).

Conditions:
Bilateral microtia-deafness-cleft palate syndrome. Identifiers: Orphanet 140963, MedGen C2676772, MONDO:0012854, OMIM 612290.

Allele frequency attached by ClinVar (database versions not stated): 1000 Genomes Project 0.00060; 1000 Genomes Project 30x 0.00109; gnomAD 0.00153; TOPMed 0.00171.

Submission:

Illumina Laboratory Services, Illumina
Classification: Likely benign for Bilateral microtia-deafness-cleft palate syndrome. Last evaluated: 2018-01-13. Review status: criteria provided, single submitter. Criteria: ICSL Variant Classification Criteria 13 December 2019. Collection method: clinical testing. Allele origin: germline.
Comment: This variant was observed in the ICSL laboratory as part of a predisposition screen in an ostensibly healthy population. It had not been previously curated by ICSL or reported in the Human Gene Mutation Database (HGMD: prior to June 1st, 2018), and was therefore a candidate for classification through an automated scoring system. Utilizing variant allele frequency, disease prevalence and penetrance estimates, and inheritance mode, an automated score was calculated to assess if this variant is too frequent to cause the disease. Based on the score and internal cut-off values, a variant classified as likely benign is not then subjected to further curation. The score for this variant resulted in a classification of likely benign for this disease.

NM_006735.4(HOXA2):c.-58C>G

Gene: HOXA2 (homeobox A2; minus strand). Cytogenetic location: 7p15.2.
Variant type: single nucleotide variant.
Coding change: c.-58C>G on transcript NM_006735.4 (MANE Select); 58 bases upstream of the start codon, C replaced by G.
Molecular consequence: 5 prime UTR variant.
Genome position (GRCh38, 1-based): chr7:27,102,558, G>C on the plus strand (C>G on the coding strand, the complement: HOXA2 is on the minus strand). VCF-style: chr7-27102558-G-C. GRCh37 (hg19) VCF-style: chr7-27142177-G-C.
Identifiers: ClinVar variation 359985 (VCV000359985.5), dbSNP rs143688829, ClinGen allele CA10623826.